The following is an entry in ClinVar:

ClinVar aggregate classification (germline): Uncertain significance (1 of 4 stars; one submission).

Conditions:
Methylcobalamin deficiency type cblG (HMAG). Also called: HOMOCYSTINURIA-MEGALOBLASTIC ANEMIA, cblG TYPE; HOMOCYSTINURIA-MEGALOBLASTIC ANEMIA, cblG COMPLEMENTATION TYPE; Functional methionine synthase deficiency type cblG; HOMOCYSTINURIA-MEGALOBLASTIC ANEMIA DUE TO DEFECT IN COBALAMIN METABOLISM, cblG COMPLEMENTATION TYPE. Identifiers: Orphanet 2170, Orphanet 622, MedGen C1855128, MONDO:0009609, OMIM 250940.

Allele frequency attached by ClinVar (database versions not stated): gnomAD exomes below 0.00001 and 0.00001; ExAC 0.00001; gnomAD 0.00001.
gnomAD v4.1: 5 of 1,611,150 alleles (0.00031%); highest among the groups gnomAD compares: Middle Eastern, 0.033%; no homozygotes.

Submission:

Labcorp Genetics (formerly Invitae), Labcorp
Classification: Uncertain significance for Methylcobalamin deficiency type cblG. Last evaluated: 2024-12-09. Review status: criteria provided, single submitter. Criteria: Invitae Variant Classification Sherloc (09022015). Collection method: clinical testing. Allele origin: germline.
Comment: This sequence change falls in intron 21 of the MTR gene. It does not directly change the encoded amino acid sequence of the MTR protein. It affects a nucleotide within the consensus splice site. This variant is present in population databases (rs778478523, gnomAD 0.0009%). This variant has not been reported in the literature in individuals affected with MTR-related conditions. ClinVar contains an entry for this variant (Variation ID: 1490919). Variants that disrupt the consensus splice site are a relatively common cause of aberrant splicing (PMID: 17576681, 9536098). Algorithms developed to predict the effect of sequence changes on RNA splicing suggest that this variant may disrupt the consensus splice site. In summary, the available evidence is currently insufficient to determine the role of this variant in disease. Therefore, it has been classified as a Variant of Uncertain Significance.

Literature cited by the submitters: PubMed 17576681; PubMed 9536098.

NM_000254.3(MTR):c.2304+4A>G

Gene: MTR (5-methyltetrahydrofolate-homocysteine methyltransferase; plus strand). Cytogenetic location: 1q43.
Variant type: single nucleotide variant.
Coding change: c.2304+4A>G on transcript NM_000254.3 (MANE Select); 4 bases into the intron after coding-DNA position 2304, A replaced by G.
Molecular consequence: intron variant.
Genome position (GRCh38, 1-based): chr1:236,862,347, A>G. VCF-style: chr1-236862347-A-G. GRCh37 (hg19) VCF-style: chr1-237025647-A-G.
Other names: c.2151+4A>G (NM_001291939.1); c.1083+4A>G (NM_001291940.2).
Identifiers: ClinVar variation 1490919 (VCV001490919.5), dbSNP rs778478523, ClinGen allele CA1474333.